The following is an entry in ClinVar:

NM_000090.4(COL3A1):c.1923+5del

Gene: COL3A1 (collagen type III alpha 1 chain; plus strand). Cytogenetic location: 2q32.2.
Variant type: Deletion.
Coding change: c.1923+5del on transcript NM_000090.4 (MANE Select); 5 bases into the intron after coding-DNA position 1923, one base deleted (G; older notation c.1923+5delG).
Molecular consequence: intron variant.
Genome position (GRCh38, 1-based): chr2:188,997,758, G deleted. VCF-style (leftmost placement, unchanged base first): chr2-188997757-AG-A. GRCh37 (hg19) VCF-style: chr2-189862483-AG-A.
Identifiers: ClinVar variation 4734823 (VCV004734823.1).
Genomic context (GRCh38, chr2:188,997,757, plus strand): 5'-TAGGGGCCTGGTGGTGACAAAGGAGACACAGGACCCCCTGGTCCACAAGGATTACAAGTA[AG>A]AACTTGTTATTTAAATGTCACGGCATATCTGACTGTCAAATTTTTTTGTGTCCCTAATAG-3'

ClinVar aggregate classification (germline): Uncertain significance (1 of 4 stars; one submission).

Conditions:
Ehlers-Danlos syndrome, type 4 (EDSVASC). Also called: Ehlers-Danlos syndrome vascular type; Ehlers Danlos syndrome, ecchymotic type; Ehlers Danlos syndrome, arterial type; Ehlers Danlos syndrome, Sack-Barabas type; Ehlers-Danlos Syndrome Type IV. Identifiers: Orphanet 286, MedGen C0268338, MONDO:0017314, OMIM 130050.

Submission:

Labcorp Genetics (formerly Invitae), Labcorp
Classification: Uncertain significance for Ehlers-Danlos syndrome, type 4. Last evaluated: 2026-01-06. Review status: criteria provided, single submitter. Criteria: Invitae Variant Classification Sherloc (09022015). Collection method: clinical testing. Allele origin: germline.
Comment: This sequence change falls in intron 27 of the COL3A1 gene. It does not directly change the encoded amino acid sequence of the COL3A1 protein. It affects a nucleotide within the consensus splice site. This variant is not present in population databases (gnomAD no frequency). This variant has not been reported in the literature in individuals affected with COL3A1-related conditions. Variants that disrupt the consensus splice site are a relatively common cause of aberrant splicing (PMID: 17576681, 9536098). Algorithms developed to predict the effect of sequence changes on RNA splicing suggest that this variant may disrupt the consensus splice site. In summary, the available evidence is currently insufficient to determine the role of this variant in disease. Therefore, it has been classified as a Variant of Uncertain Significance.

Literature cited by the submitters: PubMed 17576681; PubMed 9536098.